The following is an entry in ClinVar:

ClinVar aggregate classification (germline): Uncertain significance (1 of 4 stars; one submission).

Submission:

Labcorp Genetics (formerly Invitae), Labcorp
Classification: Uncertain significance. Last evaluated: 2021-05-08. Review status: criteria provided, single submitter. Criteria: Invitae Variant Classification Sherloc (09022015). Collection method: clinical testing. Allele origin: germline.
Comment: Experimental studies and prediction algorithms are not available or were not evaluated, and the functional significance of this variant is currently unknown. This variant has not been reported in the literature in individuals with FBXO11-related conditions. The frequency data for this variant in the population databases is considered unreliable, as metrics indicate insufficient coverage at this position in the ExAC database. This variant, c.179_199dup, results in the insertion of 7 amino acid(s) to the FBXO11 protein (p.Pro60_Pro66dup), but otherwise preserves the integrity of the reading frame. In summary, the available evidence is currently insufficient to determine the role of this variant in disease. Therefore, it has been classified as a Variant of Uncertain Significance.

NM_001190274.2(FBXO11):c.179_199dup (p.Pro60_Pro66dup)

Gene: FBXO11 (F-box protein 11; minus strand). Cytogenetic location: 2p16.3.
Variant type: Duplication.
Coding change: c.179_199dup on transcript NM_001190274.2 (MANE Select); coding-DNA positions 179 to 199, 21 bases duplicated (CGCCACCGCCGCCTCCGCCGC).
Protein change: p.Pro60_Pro66dup.
Molecular consequence: inframe insertion.
Genome position (GRCh38, 1-based): chr2:47,905,522-47,905,542, GCGGCGGAGGCGGCGGTGGCG duplicated on the plus strand (CGCCACCGCCGCCTCCGCCGC on the coding strand, the reverse complement: FBXO11 is on the minus strand); duplicating any 21 consecutive bases within chr2:47,905,522-47,905,553 gives the same sequence; the c. name uses the placement nearest the transcript's 3' end. VCF-style (leftmost placement, unchanged base first): chr2-47905521-A-AGCGGCGGAGGCGGCGGTGGCG. GRCh37 (hg19) VCF-style: chr2-48132660-A-AGCGGCGGAGGCGGCGGTGGCG.
Identifiers: ClinVar variation 1504062 (VCV001504062.8), dbSNP rs1172316582, ClinGen allele CA2573134937.